The following is an entry in ClinVar:

NM_005359.6(SMAD4):c.153dup (p.Asp52fs)

Gene: SMAD4 (SMAD family member 4; plus strand). Cytogenetic location: 18q21.2.
Variant type: Duplication.
Coding change: c.153dup on transcript NM_005359.6 (MANE Select); coding-DNA position 153, one base duplicated (A; older notation c.153dupA).
Protein change: p.Asp52fs; shifts the reading frame from aspartic acid 52.
Molecular consequence: frameshift variant.
Genome position (GRCh38, 1-based): chr18:51,047,199, A duplicated; the last of 6 consecutive A bases (chr18:51,047,194-51,047,199); duplicating any one gives the same sequence. VCF-style (leftmost placement, unchanged base first): chr18-51047193-G-GA. GRCh37 (hg19) VCF-style: chr18-48573563-G-GA.
Other names: c.153dup (NM_005359.5); c.153dupA (NM_005359.5); short protein forms D52fs.
Identifiers: ClinVar variation 187217 (VCV000187217.15), dbSNP rs786203560, ClinGen allele CA197041.

ClinVar aggregate classification (germline): Pathogenic. Review status: criteria provided, multiple submitters, no conflicts (2 of 4 stars). 3 submissions from 3 submitters: Pathogenic (3). Last evaluated 2026-10-06.

Conditions:
Juvenile polyposis syndrome (JPS). Identifiers: Orphanet 2929, MedGen C0345893, MONDO:0017380, OMIM 174900.
Hereditary cancer-predisposing syndrome. Also called: Neoplastic Syndromes, Hereditary; Hereditary neoplastic syndrome; Tumor predisposition; Hereditary Cancer Syndrome. Identifiers: Orphanet 140162, MedGen C0027672, MeSH D009386, MONDO:0015356.
Familial thoracic aortic aneurysm and aortic dissection (TAAD). Also called: Thoracic aortic aneurysms and dissections. Identifiers: Orphanet 91387, MedGen C4707243, MONDO:0019625.

Submissions (3):

GeneDx
Classification: Pathogenic. Last evaluated: 2026-10-06. Review status: criteria provided, single submitter. Criteria: GeneDx Variant Classification Process June 2021. Collection method: clinical testing. Allele origin: germline.
Comment: Frameshift variant predicted to result in protein truncation or nonsense mediated decay in a gene for which loss of function is a known mechanism of disease; Not observed at significant frequency in large population cohorts (gnomAD); This variant is associated with the following publications: (PMID: 33354459)

Labcorp Genetics (formerly Invitae), Labcorp
Classification: Pathogenic for Juvenile polyposis syndrome. Last evaluated: 2023-07-17. Review status: criteria provided, single submitter. Criteria: Invitae Variant Classification Sherloc (09022015). Collection method: clinical testing. Allele origin: germline.
Comment: For these reasons, this variant has been classified as Pathogenic. ClinVar contains an entry for this variant (Variation ID: 187217). This variant has not been reported in the literature in individuals affected with SMAD4-related conditions. This variant is not present in population databases (gnomAD no frequency). This sequence change creates a premature translational stop signal (p.Asp52Argfs*2) in the SMAD4 gene. It is expected to result in an absent or disrupted protein product. Loss-of-function variants in SMAD4 are known to be pathogenic (PMID: 16152648, 16436638, 22810475).

Ambry Genetics
Classification: Pathogenic for Hereditary cancer-predisposing syndrome; Familial thoracic aortic aneurysm and aortic dissection. Last evaluated: 2016-02-16. Review status: criteria provided, single submitter. Criteria: Ambry Variant Classification Scheme 2023. Collection method: clinical testing. Allele origin: germline.
Comment: The c.153dupA pathogenic mutation, located in coding exon 1 of the SMAD4 gene, results from a duplication of A at nucleotide position 153, causing a translational frameshift with a predicted alternate stop codon. This alteration is expected to result in loss of function by premature protein truncation or nonsense-mediated mRNA decay. As such, this alteration is interpreted as a disease-causing mutation.

Literature cited by the submitters: PubMed 16152648 (cited by Labcorp Genetics (formerly Invitae), Labcorp); PubMed 16436638 (cited by Labcorp Genetics (formerly Invitae), Labcorp); PubMed 22810475 (cited by Labcorp Genetics (formerly Invitae), Labcorp).